The following is an entry in ClinVar:

NC_000016.10:g.3256969G>A

Gene: MEFV (MEFV innate immunity regulator, pyrin; minus strand). Cytogenetic location: 16p13.3.
Variant type: single nucleotide variant.
Genome position: GRCh38 VCF-style: chr16-3256969-G-A. GRCh37 (hg19) VCF-style: chr16-3306969-G-A.
Identifiers: ClinVar variation 1169385 (VCV001169385.13), dbSNP rs533772017, ClinGen allele CA276904856.

ClinVar aggregate classification (germline): Benign/Likely benign. Review status: criteria provided, multiple submitters, no conflicts (2 of 4 stars). 3 submissions from 3 submitters: Benign (1); Likely benign (2). Last evaluated 2024-11-22.

Conditions:
Familial Mediterranean fever (FMF). Also called: POLYSEROSITIS, FAMILIAL PAROXYSMAL; POLYSEROSITIS, RECURRENT; Periodic peritonitis; Benign paroxysmal peritonitis. Identifiers: Orphanet 342, MedGen C0031069, MONDO:0018088, OMIM 249100. Disease mechanism: gain of function.

Allele frequency attached by ClinVar (database versions not stated): 1000 Genomes Project 0.00080; 1000 Genomes Project 30x 0.00094; gnomAD 0.00192 and 0.00200; TOPMed 0.00207.

Submissions (3):

Blueprint Genetics
Classification: Likely benign. Last evaluated: 2024-11-22. Review status: criteria provided, single submitter. Criteria: ACMG Guidelines, 2015. Collection method: clinical testing. Allele origin: germline.

Labcorp Genetics (formerly Invitae), Labcorp
Classification: Benign for Familial Mediterranean fever. Last evaluated: 2024-10-24. Review status: criteria provided, single submitter. Criteria: Invitae Variant Classification Sherloc (09022015). Collection method: clinical testing. Allele origin: germline.

GeneDx
Classification: Likely benign. Last evaluated: 2020-06-16. Review status: criteria provided, single submitter. Criteria: GeneDx Variant Classification Process June 2021. Collection method: clinical testing. Allele origin: germline. Affected: yes.
Comment: This variant is associated with the following publications: (PMID: 19262573)